The following is an entry in ClinVar:

NM_000530.8(MPZ):c.649C>G (p.Pro217Ala)

Gene: MPZ (myelin protein zero; minus strand). Cytogenetic location: 1q23.3.
Variant type: single nucleotide variant.
Coding change: c.649C>G on transcript NM_000530.8 (MANE Select); coding-DNA position 649, C replaced by G.
Protein change: p.Pro217Ala; replaces proline 217 with alanine.
Molecular consequence: missense variant.
Genome position (GRCh38, 1-based): chr1:161,305,974, G>C on the plus strand (C>G on the coding strand, the complement: MPZ is on the minus strand). VCF-style: chr1-161305974-G-C. GRCh37 (hg19) VCF-style: chr1-161275764-G-C.
Other names: c.649C>G, p.Pro217Ala (NM_001315491.2); short protein forms P217A.
Identifiers: ClinVar variation 834444 (VCV000834444.9), dbSNP rs281865132, ClinGen allele CA343344462.

ClinVar aggregate classification (germline): Uncertain significance (1 of 4 stars; one submission).

Conditions:
Charcot-Marie-Tooth disease, type I (CMT1). Also called: Charcot-Marie-Tooth, Type 1; Charcot-Marie-Tooth disease type 1. Identifiers: Orphanet 65753, MedGen C0751036, MONDO:0019011.

Submission:

Labcorp Genetics (formerly Invitae), Labcorp
Classification: Uncertain significance for Charcot-Marie-Tooth disease, type I. Last evaluated: 2022-10-17. Review status: criteria provided, single submitter. Criteria: Invitae Variant Classification Sherloc (09022015). Collection method: clinical testing. Allele origin: germline.
Comment: In summary, the available evidence is currently insufficient to determine the role of this variant in disease. Therefore, it has been classified as a Variant of Uncertain Significance. Algorithms developed to predict the effect of missense changes on protein structure and function are either unavailable or do not agree on the potential impact of this missense change (SIFT: "Tolerated"; PolyPhen-2: "Probably Damaging"; Align-GVGD: "Class C0"). ClinVar contains an entry for this variant (Variation ID: 834444). This variant has not been reported in the literature in individuals affected with MPZ-related conditions. This variant is not present in population databases (gnomAD no frequency). This sequence change replaces proline, which is neutral and non-polar, with alanine, which is neutral and non-polar, at codon 217 of the MPZ protein (p.Pro217Ala).